The following is an entry in ClinVar:

ClinVar aggregate classification (germline): Uncertain significance (1 of 4 stars; one submission).

Conditions:
Fanconi anemia (FA). Also called: Fanconi's anemia. Identifiers: Orphanet 84, MedGen C0015625, MeSH D005199, MONDO:0019391.

Allele frequency attached by ClinVar (database versions not stated): gnomAD 0.00001; gnomAD exomes 0.00001 and 0.00002; TOPMed 0.00001.
gnomAD v4.1: 14 of 1,613,278 alleles (0.00087%); highest among the groups gnomAD compares: Non-Finnish European, 0.001%; no homozygotes.

Submission:

Labcorp Genetics (formerly Invitae), Labcorp
Classification: Uncertain significance for Fanconi anemia. Last evaluated: 2021-08-28. Review status: criteria provided, single submitter. Criteria: Invitae Variant Classification Sherloc (09022015). Collection method: clinical testing. Allele origin: germline.
Comment: This sequence change replaces alanine with threonine at codon 20 of the FANCD2 protein (p.Ala20Thr). The alanine residue is weakly conserved and there is a small physicochemical difference between alanine and threonine. This variant is not present in population databases (ExAC no frequency). This variant has not been reported in the literature in individuals affected with FANCD2-related conditions. Algorithms developed to predict the effect of missense changes on protein structure and function output the following: SIFT: "Tolerated"; PolyPhen-2: "Benign"; Align-GVGD: "Class C0". The threonine amino acid residue is found in multiple mammalian species, which suggests that this missense change does not adversely affect protein function. In summary, the available evidence is currently insufficient to determine the role of this variant in disease. Therefore, it has been classified as a Variant of Uncertain Significance.

NM_001018115.3(FANCD2):c.58G>A (p.Ala20Thr)

Gene: FANCD2 (FA complementation group D2; plus strand). Cytogenetic location: 3p25.3.
Variant type: single nucleotide variant.
Coding change: c.58G>A on transcript NM_001018115.3 (MANE Select); coding-DNA position 58, G replaced by A.
Protein change: p.Ala20Thr; replaces alanine 20 with threonine.
Molecular consequence: missense variant.
Genome position (GRCh38, 1-based): chr3:10,028,715, G>A. VCF-style: chr3-10028715-G-A. GRCh37 (hg19) VCF-style: chr3-10070399-G-A.
Other names: c.58G>A, p.Ala20Thr (NM_001374253.1, NM_001374254.1, NM_001374255.1 and 2 more transcripts); short protein forms A20T.
Identifiers: ClinVar variation 840822 (VCV000840822.7), dbSNP rs1338392055, ClinGen allele CA351715887.